The following is an entry in ClinVar:

ClinVar aggregate classification (germline): Pathogenic (1 of 4 stars; one submission).

Conditions:
Familial thoracic aortic aneurysm and aortic dissection (TAAD). Also called: Thoracic aortic aneurysms and dissections. Identifiers: Orphanet 91387, MedGen C4707243, MONDO:0019625.
Marfan syndrome (MFS). Also called: MARFAN SYNDROME, TYPE I; Marfan syndrome type 1; Marfan's syndrome; Marfan syndrome, classic; FBN1-Related Marfan Syndrome. Identifiers: Orphanet 284963, Orphanet 558, MedGen C0024796, MONDO:0007947, OMIM 154700.

Submission:

Labcorp Genetics (formerly Invitae), Labcorp
Classification: Pathogenic for Marfan syndrome; Familial thoracic aortic aneurysm and aortic dissection. Last evaluated: 2022-03-27. Review status: criteria provided, single submitter. Criteria: Invitae Variant Classification Sherloc (09022015). Collection method: clinical testing. Allele origin: germline.
Comment: For these reasons, this variant has been classified as Pathogenic. This variant has not been reported in the literature in individuals affected with FBN1-related conditions. This variant is not present in population databases (gnomAD no frequency). This sequence change creates a premature translational stop signal (p.Ile738Metfs*33) in the FBN1 gene. It is expected to result in an absent or disrupted protein product. Loss-of-function variants in FBN1 are known to be pathogenic (PMID: 17657824, 19293843).

Literature cited by the submitters: PubMed 17657824; PubMed 19293843.

NM_000138.5(FBN1):c.2214_2217del (p.Ile738fs)

Gene: FBN1 (fibrillin 1; minus strand). Cytogenetic location: 15q21.1.
Variant type: Deletion.
Coding change: c.2214_2217del on transcript NM_000138.5 (MANE Select); coding-DNA positions 2214 to 2217, 4 bases deleted (CTGT; older notation c.2214_2217delCTGT).
Protein change: p.Ile738fs; shifts the reading frame from isoleucine 738.
Molecular consequence: frameshift variant.
Genome position (GRCh38, 1-based): chr15:48,497,342-48,497,345, ACAG deleted on the plus strand (CTGT on the coding strand, the reverse complement: FBN1 is on the minus strand); deleting any 4 consecutive bases within chr15:48,497,342-48,497,346 gives the same sequence; the c. name uses the placement nearest the transcript's 3' end. VCF-style (leftmost placement, unchanged base first): chr15-48497341-CACAG-C. GRCh37 (hg19) VCF-style: chr15-48789538-CACAG-C.
Other names: c.2213_2216delTCTG, p.Ile738Metfs (NM_001406716.1); short protein forms I738fs.
Identifiers: ClinVar variation 2118272 (VCV002118272.4), dbSNP rs2505576330, ClinGen allele CA2580089660.